The following is an entry in ClinVar:

NM_001077418.3(TMEM231):c.798A>G (p.Val266=)

Gene: TMEM231 (transmembrane protein 231; minus strand). Cytogenetic location: 16q23.1.
Variant type: single nucleotide variant.
Coding change: c.798A>G on transcript NM_001077418.3 (MANE Select); coding-DNA position 798, A replaced by G.
Protein change: p.Val266=; no amino-acid change (valine 266 retained).
Molecular consequence: synonymous variant. On other transcripts: non-coding transcript variant (1).
Genome position (GRCh38, 1-based): chr16:75,540,147, T>C on the plus strand (A>G on the coding strand, the complement: TMEM231 is on the minus strand). VCF-style: chr16-75540147-T-C. GRCh37 (hg19) VCF-style: chr16-75574045-T-C.
Other names: c.957A>G, p.Val319= (NM_001077416.2).
Identifiers: ClinVar variation 540546 (VCV000540546.11), dbSNP rs772364535, ClinGen allele CA8176016.

ClinVar aggregate classification (germline): Likely benign. Review status: criteria provided, multiple submitters, no conflicts (2 of 4 stars). 3 submissions from 3 submitters: Likely benign (2). 1 of the submissions does not count toward it. Last evaluated 2025-12-03.

Conditions:
Meckel syndrome, type 11 (MKS11). Identifiers: Orphanet 564, MedGen C3809352, MONDO:0014164, OMIM 615397.
Joubert syndrome 20 (JBTS20). Identifiers: Orphanet 475, MedGen C3554235, MONDO:0013994, OMIM 614970.
TMEM231-related disorder. Also called: TMEM231-related condition.

Allele frequency attached by ClinVar (database versions not stated): TOPMed 0.00006; gnomAD exomes 0.00007; ExAC 0.00009; gnomAD 0.00009.
gnomAD v4.1: 80 of 1,613,548 alleles (0.005%); highest among the groups gnomAD compares: Middle Eastern, 0.033%; no homozygotes.

Submissions (3):

Labcorp Genetics (formerly Invitae), Labcorp
Classification: Likely benign for Joubert syndrome 20; Meckel syndrome, type 11. Last evaluated: 2025-12-03. Review status: criteria provided, single submitter. Criteria: Invitae Variant Classification Sherloc (09022015). Collection method: clinical testing. Allele origin: germline.

Blueprint Genetics
Classification: Likely benign. Last evaluated: 2024-10-17. Review status: criteria provided, single submitter. Criteria: ACMG Guidelines, 2015. Collection method: clinical testing. Allele origin: germline.

PreventionGenetics, part of Exact Sciences
Classification: Likely benign for TMEM231-related condition. Last evaluated: 2019-07-23. Review status: no assertion criteria provided. Collection method: clinical testing. Allele origin: germline. Not counted in ClinVar's aggregate classification.
Comment: This variant is classified as likely benign based on ACMG/AMP sequence variant interpretation guidelines (Richards et al. 2015 PMID: 25741868, with internal and published modifications).